The following is an entry in ClinVar:

ClinVar aggregate classification (germline): Uncertain significance. Review status: criteria provided, multiple submitters, no conflicts (2 of 4 stars). 2 submissions from 2 submitters: Uncertain significance (2). Last evaluated 2024-04-12.

Conditions:
Cranioectodermal dysplasia 2 (CED2). Identifiers: Orphanet 1515, MedGen C3150874, MONDO:0013323, OMIM 613610.
Short-rib thoracic dysplasia 7 with or without polydactyly (SRTD7). Also called: Short rib polydactyly syndrome 5; SHORT-RIB THORACIC DYSPLASIA 7 WITH POLYDACTYLY. Identifiers: Orphanet 498497, Orphanet 93271, MedGen C3279792, MONDO:0013569, OMIM 614091.

Allele frequency attached by ClinVar (database versions not stated): TOPMed 0.00002; gnomAD 0.00003; gnomAD exomes 0.00005; ExAC 0.00006.
gnomAD v4.1: 34 of 1,613,250 alleles (0.0021%); highest among the groups gnomAD compares: Non-Finnish European, 0.0023%; no homozygotes.

Submissions (2):

Fulgent Genetics
Classification: Uncertain significance for Cranioectodermal dysplasia 2; Short-rib thoracic dysplasia 7 with or without polydactyly. Last evaluated: 2024-04-12. Review status: criteria provided, single submitter. Criteria: ACMG Guidelines, 2015. Collection method: clinical testing. Allele origin: germline.

Labcorp Genetics (formerly Invitae), Labcorp
Classification: Uncertain significance for Cranioectodermal dysplasia 2; Short-rib thoracic dysplasia 7 with or without polydactyly. Last evaluated: 2024-02-24. Review status: criteria provided, single submitter. Criteria: Invitae Variant Classification Sherloc (09022015). Collection method: clinical testing. Allele origin: germline.
Comment: This sequence change replaces arginine, which is basic and polar, with histidine, which is basic and polar, at codon 966 of the WDR35 protein (p.Arg966His). This variant is present in population databases (rs780666056, gnomAD 0.02%). This variant has not been reported in the literature in individuals affected with WDR35-related conditions. ClinVar contains an entry for this variant (Variation ID: 1426833). Advanced modeling of protein sequence and biophysical properties (such as structural, functional, and spatial information, amino acid conservation, physicochemical variation, residue mobility, and thermodynamic stability) performed at Invitae indicates that this missense variant is not expected to disrupt WDR35 protein function with a negative predictive value of 80%. In summary, the available evidence is currently insufficient to determine the role of this variant in disease. Therefore, it has been classified as a Variant of Uncertain Significance.

NM_020779.4(WDR35):c.2864G>A (p.Arg955His)

Gene: WDR35 (WD repeat domain 35; minus strand). Cytogenetic location: 2p24.1.
Variant type: single nucleotide variant.
Coding change: c.2864G>A on transcript NM_020779.4 (MANE Select); coding-DNA position 2864, G replaced by A.
Protein change: p.Arg955His; replaces arginine 955 with histidine.
Molecular consequence: missense variant.
Genome position (GRCh38, 1-based): chr2:19,931,369, C>T on the plus strand (G>A on the coding strand, the complement: WDR35 is on the minus strand). VCF-style: chr2-19931369-C-T. GRCh37 (hg19) VCF-style: chr2-20131130-C-T.
Other names: c.2897G>A, p.Arg966His (NM_001006657.2); short protein forms R966H, R955H.
Identifiers: ClinVar variation 1426833 (VCV001426833.9), dbSNP rs780666056, ClinGen allele CA1542819.